The following is an entry in ClinVar:

ClinVar aggregate classification (germline): Uncertain significance (1 of 4 stars; one submission).

Conditions:
Periventricular heterotopia with microcephaly, autosomal recessive (ARPHM). Also called: Periventricular heterotopia with microcephaly; PERIVENTRICULAR NODULAR HETEROTOPIA 2. Identifiers: Orphanet 2149, MedGen C1842563, MONDO:0011966, OMIM 608097.

Allele frequency attached by ClinVar (database versions not stated): gnomAD exomes 0.00002 and 0.00008; gnomAD 0.00005; TOPMed 0.00005; ExAC 0.00006.
gnomAD v4.1: 38 of 1,614,122 alleles (0.0024%); highest among the groups gnomAD compares: Middle Eastern, 0.049%; no homozygotes.

Submission:

Baylor Genetics
Classification: Uncertain significance for Periventricular heterotopia with microcephaly, autosomal recessive. Last evaluated: 2018-04-10. Review status: criteria provided, single submitter. Criteria: ACMG Guidelines, 2015. Collection method: clinical testing. Allele origin: paternal. Affected: yes.
Comment: This variant was determined to be of uncertain significance according to ACMG Guidelines, 2015 [PMID:25741868].

NM_006420.3(ARFGEF2):c.2260A>G (p.Ile754Val)

Gene: ARFGEF2 (ARF guanine nucleotide exchange factor 2; plus strand). Cytogenetic location: 20q13.13.
Variant type: single nucleotide variant.
Coding change: c.2260A>G on transcript NM_006420.3 (MANE Select); coding-DNA position 2260, A replaced by G.
Protein change: p.Ile754Val; replaces isoleucine 754 with valine.
Molecular consequence: missense variant.
Genome position (GRCh38, 1-based): chr20:48,985,597, A>G. VCF-style: chr20-48985597-A-G. GRCh37 (hg19) VCF-style: chr20-47602134-A-G.
Other names: short protein forms I754V.
Identifiers: ClinVar variation 1033103 (VCV001033103.1), dbSNP rs368246400, ClinGen allele CA9898576.